The following is an entry in ClinVar:

ClinVar aggregate classification (germline): Uncertain significance (1 of 4 stars; one submission).

Submission:

Labcorp Genetics (formerly Invitae), Labcorp
Classification: Uncertain significance. Last evaluated: 2022-09-01. Review status: criteria provided, single submitter. Criteria: Invitae Variant Classification Sherloc (09022015). Collection method: clinical testing. Allele origin: germline.
Comment: This variant is not present in population databases (gnomAD no frequency). This variant has been observed in individual(s) with clinical features of inherited retinal dystrophy (Invitae). Experimental studies and prediction algorithms are not available or were not evaluated, and the functional significance of this variant is currently unknown. In summary, the available evidence is currently insufficient to determine the role of this variant in disease. Therefore, it has been classified as a Variant of Uncertain Significance. This variant, c.2482_2484dup, results in the insertion of 1 amino acid(s) of the PDE6B protein (p.Glu828dup), but otherwise preserves the integrity of the reading frame.

NM_000283.4(PDE6B):c.2473GAG[5] (p.Glu828dup)

Gene: PDE6B (phosphodiesterase 6B; plus strand). Cytogenetic location: 4p16.3.
Variant type: Microsatellite.
Coding change: c.2473GAG[5] on transcript NM_000283.4 (MANE Select); five copies in a row of the 3-base unit GAG starting at c.2473; the reference has four copies in a row; one copy, 3 bases duplicated.
Protein change: p.Glu828dup; duplicates glutamic acid 828.
Molecular consequence: inframe insertion. On other transcripts: intron variant (2).
Genome position (GRCh38, 1-based): chr4:667,985-667,987, GAG duplicated; duplicating any 3 consecutive bases within chr4:667,974-667,987 gives the same sequence; the position shown is the placement nearest the transcript's 3' end. VCF-style (leftmost placement, unchanged base first): chr4-667973-A-AAGG. GRCh37 (hg19) VCF-style: chr4-661762-A-AAGG.
Other names: c.2473GAG[5], p.Glu828dup (NM_001145291.2); c.1636GAG[5], p.Glu549dup (NM_001145292.2, NM_001379246.1, NM_001379247.1); c.1601+33AGG[5] (NM_001350154.3); c.1283+33AGG[5] (NM_001350155.3).
Identifiers: ClinVar variation 1462990 (VCV001462990.8), dbSNP rs777568669, ClinGen allele CA2580616047.
Genomic context (GRCh38, chr4:667,973, plus strand): 5'-AGGAAAGAGTGGAAGGCGCTGGCTGATGAGTATGAGGCCAAAGTGAAGGCTCTGGAGGAG[A>AAGG]AGGAGGAGGAGGAGAGGGTGGCAGCCAAGAAAGGTCTGGCTCTGTGTGGCCTGTGGGGCA-3'